The following is an entry in ClinVar:

ClinVar aggregate classification (germline): Likely benign. Review status: criteria provided, multiple submitters, no conflicts (2 of 4 stars). 3 submissions from 3 submitters: Likely benign (3). Last evaluated 2023-06-26.

Conditions:
Cardiomyopathy (CMYO). Also called: Cardiomyopathies. Identifiers: Orphanet 167848, MedGen C0878544, MONDO:0004994, HP:0001638. Inheritance: Various modes of inheritance.
Catecholaminergic polymorphic ventricular tachycardia (CVPT). Also called: Catecholamine-induced polymorphic ventricular tachycardia. Identifiers: Orphanet 3286, MedGen C5574922, MONDO:0017990.

gnomAD v4.1: 1 of 1,598,626 alleles (0.000063%); no homozygotes.

Submissions (3):

All of Us Research Program, National Institutes of Health
Classification: Likely benign for Catecholaminergic polymorphic ventricular tachycardia. Last evaluated: 2023-06-26. Review status: criteria provided, single submitter. Criteria: ACMG Guidelines, 2015. Collection method: clinical testing. Allele origin: germline. Inheritance: Autosomal dominant inheritance. Observed: 1 variant allele, 1 heterozygote.
Comment: This study involves interpretation of variants in research participants for the purpose of population health screening. Participant phenotype was not available at the time of variant classification. Additional details can be found in publication PMID: 35346344, PMCID: PMC8962531

Color Diagnostics, LLC DBA Color Health
Classification: Likely benign for Cardiomyopathy. Last evaluated: 2023-06-21. Review status: criteria provided, single submitter. Criteria: ACMG Guidelines, 2015. Collection method: clinical testing. Allele origin: germline.

GeneDx
Classification: Likely benign. Last evaluated: 2017-01-05. Review status: criteria provided, single submitter. Criteria: GeneDx Variant Classification (06012015). Collection method: clinical testing. Allele origin: germline. Affected: yes.
Comment: This variant is considered likely benign or benign based on one or more of the following criteria: it is a conservative change, it occurs at a poorly conserved position in the protein, it is predicted to be benign by multiple in silico algorithms, and/or has population frequency not consistent with disease.

NM_001035.3(RYR2):c.96A>G (p.Gln32=)

Gene: RYR2 (ryanodine receptor 2; plus strand). Cytogenetic location: 1q43.
Variant type: single nucleotide variant.
Coding change: c.96A>G on transcript NM_001035.3 (MANE Select); coding-DNA position 96, A replaced by G.
Protein change: p.Gln32=; no amino-acid change (glutamine 32 retained).
Molecular consequence: synonymous variant.
Genome position (GRCh38, 1-based): chr1:237,270,544, A>G. VCF-style: chr1-237270544-A-G. GRCh37 (hg19) VCF-style: chr1-237433844-A-G.
Other names: c.96A>G, p.Gln32= (LRG_402t1).
Identifiers: ClinVar variation 392349 (VCV000392349.3), dbSNP rs1057524453, ClinGen allele CA16603620.
Genomic context (GRCh38, chr1:237,270,544, plus strand): 5'-TCCCCCTTTGCAGGATGATGAAGTGGTTCTGCAGTGCACCGCAACCATCCACAAAGAACA[A>G]CAGAAGCTATGCTTGGCAGCAGAAGGATTTGGCAACAGACTTTGTTTCTTGGAGTCCACT-3'
Protein context (NP_001026.2, residues 22-42): LQCTATIHKE[Gln32=]QKLCLAAEGF